The following is an entry in ClinVar:

NM_007294.4(BRCA1):c.3865A>C (p.Thr1289Pro)

Genes: BRCA1 (BRCA1 DNA repair associated; minus strand), LOC126862571 (BRD4-independent group 4 enhancer GRCh37_chr17:41243136-41244335; plus strand). Cytogenetic location: 17q21.31.
Variant type: single nucleotide variant.
Coding change: c.3865A>C on transcript NM_007294.4 (MANE Select); coding-DNA position 3865, A replaced by C.
Protein change: p.Thr1289Pro; replaces threonine 1289 with proline.
Molecular consequence: missense variant. On other transcripts: intron variant (135).
Genome position (GRCh38, 1-based): chr17:43,091,666, T>G on the plus strand (A>C on the coding strand, the complement: BRCA1 is on the minus strand). VCF-style: chr17-43091666-T-G. GRCh37 (hg19) VCF-style: chr17-41243683-T-G.
Other names: c.3529A>C, p.Thr1177Pro (NM_001407958.1, NM_001407954.1, NM_001407955.1 and 1 more transcripts); c.3865A>C, p.Thr1289Pro (NM_001407596.1, NM_001407597.1, NM_001407598.1 and 30 more transcripts); c.3652A>C, p.Thr1218Pro (NM_001407571.1, NM_001407853.1, NM_001407894.1 and 9 more transcripts); c.3862A>C, p.Thr1288Pro (NM_001407590.1, NM_001407591.1, NM_001407610.1 and 22 more transcripts); c.3484A>C, p.Thr1162Pro (NM_001407963.1, NM_001407959.1, NM_001407960.1); c.3721A>C, p.Thr1241Pro (NM_001407964.1, NM_001407740.1, NM_001407741.1 and 20 more transcripts); c.3361A>C, p.Thr1121Pro (NM_001407965.1); c.2977A>C, p.Thr993Pro (NM_001407966.1, NM_001407967.1); and 41 more; short protein forms T1289P, T1242P, T1218P, T1219P, T1222P, T1286P, T1162P, T1177P.
Identifiers: ClinVar variation 421921 (VCV000421921.8), dbSNP rs1064795449, ClinGen allele CA10594231.
Genomic context (GRCh38, chr17:43,091,666, plus strand): 5'-TTGCAGTCAAGTCTTCCAATTCACTGCACTGTGAAGAAAACAAGCTAGCAGAACATTTTG[T>G]TTCCTCACTAAGGTGATGTTCCTGAGATGCCTTTGCCAATATTACCTGGTTACTGCAGTC-3'
Protein context (NP_009225.1, residues 1279-1299): ASQEHHLSEE[Thr1289Pro]KCSASLFSSQ

ClinVar aggregate classification (germline): Conflicting classifications of pathogenicity. Review status: criteria provided, conflicting classifications (1 of 4 stars). 3 submissions from 3 submitters: Uncertain significance (2); Likely benign (1). Last evaluated 2025-03-27.

Conditions:
Hereditary cancer-predisposing syndrome. Also called: Hereditary neoplastic syndrome; Neoplastic Syndromes, Hereditary; Tumor predisposition; Hereditary Cancer Syndrome. Identifiers: Orphanet 140162, MedGen C0027672, MeSH D009386, MONDO:0015356.

Allele frequency attached by ClinVar (database versions not stated): gnomAD exomes below 0.00001; TOPMed below 0.00001.
gnomAD v4.1: 1 of 1,614,250 alleles (0.000062%); highest among the groups gnomAD compares: African/African-American, 0.0013%; no homozygotes.

Submissions (3):

Ambry Genetics
Classification: Uncertain significance for Hereditary cancer-predisposing syndrome. Last evaluated: 2025-03-27. Review status: criteria provided, single submitter. Criteria: Ambry Variant Classification Scheme 2023. Collection method: clinical testing. Allele origin: germline.
Comment: The p.T1289P variant (also known as c.3865A>C), located in coding exon 9 of the BRCA1 gene, results from an A to C substitution at nucleotide position 3865. The threonine at codon 1289 is replaced by proline, an amino acid with highly similar properties. This amino acid position is poorly conserved in available vertebrate species. In addition, this alteration is predicted to be tolerated by in silico analysis. Based on the available evidence, the clinical significance of this variant remains unclear.

University of Washington Department of Laboratory Medicine, University of Washington
Classification: Likely benign for Hereditary cancer-predisposing syndrome. Last evaluated: 2023-03-23. Review status: criteria provided, single submitter. Criteria: Dines et al. (Genet Med. 2020). Collection method: curation. Allele origin: germline.
Comment: Missense variant in a coldspot region where missense variants are very unlikely to be pathogenic (PMID:31911673).

BRCA1 coldspot (exon 11 using historical exon numbering). Reclassification based on statistical prior probability

GeneDx
Classification: Uncertain significance. Last evaluated: 2016-08-04. Review status: criteria provided, single submitter. Criteria: GeneDx Variant Classification (06012015). Collection method: clinical testing. Allele origin: germline. Affected: yes.
Comment: This variant is denoted BRCA1 c.3865A>C at the cDNA level, p.Thr1289Pro (T1289P) at the protein level, and results in the change of a Threonine to a Proline (ACA>CCA). Using alternate nomenclature, this variant would be defined as BRCA1 3984A>C. This variant has not, to our knowledge, been published in the literature as pathogenic or benign. BRCA1 Thr1289Pro was not observed in approximately 6,500 individuals of European and African American ancestry in the NHLBI Exome Sequencing Project, suggesting it is not a common benign variant in these populations. Since Threonine and Proline differ in polarity, charge, size or other properties, this is considered a non-conservative amino acid substitution. BRCA1 Thr1289Pro occurs at a position that is not conserved and is located in the DNA Binding Domain as well as a region known to interact with multiple proteins (Narod 2004, Paul 2014). In silico analyses predict that this variant is unlikely to alter protein structure or function. Based on currently available evidence, it is unclear whether BRCA1 Thr1289Pro is a pathogenic or benign variant. We consider it to be a variant of uncertain significance.